The following is an entry in ClinVar:

NM_032833.5(PPP1R15B):c.1514A>G (p.Glu505Gly)

Gene: PPP1R15B (protein phosphatase 1 regulatory subunit 15B; minus strand). Cytogenetic location: 1q32.1.
Variant type: single nucleotide variant.
Coding change: c.1514A>G on transcript NM_032833.5 (MANE Select); coding-DNA position 1514, A replaced by G.
Protein change: p.Glu505Gly; replaces glutamic acid 505 with glycine.
Molecular consequence: missense variant.
Genome position (GRCh38, 1-based): chr1:204,409,898, T>C on the plus strand (A>G on the coding strand, the complement: PPP1R15B is on the minus strand). VCF-style: chr1-204409898-T-C. GRCh37 (hg19) VCF-style: chr1-204379026-T-C.
Other names: short protein forms E505G.
Identifiers: ClinVar variation 2867664 (VCV002867664.3), dbSNP rs148950926, ClinGen allele CA1346616.

ClinVar aggregate classification (germline): Uncertain significance (1 of 4 stars; one submission).

Allele frequency attached by ClinVar (database versions not stated): gnomAD exomes 0.00001; ExAC 0.00006; ESP Exome Variant Server 0.00015; TOPMed 0.00015; gnomAD 0.00016; 1000 Genomes Project 0.00040; 1000 Genomes Project 30x 0.00047.

Submission:

Labcorp Genetics (formerly Invitae), Labcorp
Classification: Uncertain significance. Last evaluated: 2024-01-26. Review status: criteria provided, single submitter. Criteria: Invitae Variant Classification Sherloc (09022015). Collection method: clinical testing. Allele origin: germline.
Comment: This sequence change replaces glutamic acid, which is acidic and polar, with glycine, which is neutral and non-polar, at codon 505 of the PPP1R15B protein (p.Glu505Gly). This variant is present in population databases (rs148950926, gnomAD 0.07%), and has an allele count higher than expected for a pathogenic variant. This variant has not been reported in the literature in individuals affected with PPP1R15B-related conditions. Advanced modeling of protein sequence and biophysical properties (such as structural, functional, and spatial information, amino acid conservation, physicochemical variation, residue mobility, and thermodynamic stability) performed at Invitae indicates that this missense variant is not expected to disrupt PPP1R15B protein function with a negative predictive value of 80%. In summary, the available evidence is currently insufficient to determine the role of this variant in disease. Therefore, it has been classified as a Variant of Uncertain Significance.